The following is an entry in ClinVar:

NM_001368397.1(FRMPD4):c.2683A>G (p.Ile895Val)

Gene: FRMPD4 (FERM and PDZ domain containing 4; plus strand). Cytogenetic location: Xp22.2.
Variant type: single nucleotide variant.
Coding change: c.2683A>G on transcript NM_001368397.1 (MANE Select); coding-DNA position 2683, A replaced by G.
Protein change: p.Ile895Val; replaces isoleucine 895 with valine.
Molecular consequence: missense variant.
Genome position (GRCh38, 1-based): chrX:12,717,509, A>G. VCF-style: chrX-12717509-A-G. GRCh37 (hg19) VCF-style: chrX-12735628-A-G.
Other names: c.2794A>G, p.Ile932Val (NM_001368395.3, NM_001368398.3); c.2689A>G, p.Ile897Val (NM_001368396.3); c.2674A>G, p.Ile892Val (NM_001368399.3); c.2563A>G, p.Ile855Val (NM_001368400.3); c.2659A>G, p.Ile887Val (NM_001368401.1, NM_001368402.3); c.2683A>G, p.Ile895Val (NM_014728.3); short protein forms I895V, I855V, I887V, I892V, I897V, I932V.
Identifiers: ClinVar variation 4992281 (VCV004992281.1).

ClinVar aggregate classification (germline): Uncertain significance (1 of 4 stars; one submission).

Conditions:
FRMPD4-related disorder. Also called: FRMPD4-related condition.

Submission:

PreventionGenetics, part of Exact Sciences
Classification: Uncertain significance for FRMPD4-related condition. Last evaluated: 2026-04-15. Review status: criteria provided, single submitter. Criteria: ACMG Guidelines, 2015. Collection method: clinical testing. Allele origin: germline.
Comment: The FRMPD4 c.2683A>G variant is predicted to result in the amino acid substitution p.Ile895Val. To our knowledge, this variant has not been reported in the literature or in a large population database (gnomAD), indicating this variant is rare. At this time, the clinical significance of this variant is uncertain due to the absence of conclusive functional and genetic evidence.